The following is an entry in ClinVar:

NM_014314.4(RIGI):c.2402C>T (p.Pro801Leu)

Genes: RIGI (RNA sensor RIG-I; minus strand), LOC101060445 (uncharacterized LOC101060445; plus strand). Cytogenetic location: 9p21.1.
Variant type: single nucleotide variant.
Coding change: c.2402C>T on transcript NM_014314.4 (MANE Select); coding-DNA position 2402, C replaced by T.
Protein change: p.Pro801Leu; replaces proline 801 with leucine.
Molecular consequence: missense variant.
Genome position (GRCh38, 1-based): chr9:32,459,450, G>A on the plus strand (C>T on the coding strand, the complement: RIGI is on the minus strand). VCF-style: chr9-32459450-G-A. GRCh37 (hg19) VCF-style: chr9-32459448-G-A.
Other names: c.2396C>T, p.Pro799Leu (NM_001385907.1); c.2231C>T, p.Pro744Leu (NM_001385909.1); c.1961C>T, p.Pro654Leu (NM_001385910.1); c.1793C>T, p.Pro598Leu (NM_001385912.1); c.2387C>T, p.Pro796Leu (NM_001385913.1); c.1958C>T, p.Pro653Leu (NM_001385914.1); c.2402C>T (NM_014314.3); short protein forms P744L, P799L, P801L, P653L, P598L, P654L, P796L.
Identifiers: ClinVar variation 1488579 (VCV001488579.9), dbSNP rs774180294, ClinGen allele CA5019502.
Genomic context (GRCh38, chr9:32,459,450, plus strand): 5'-GCTGTGTAACATGCCAAGGCTTTGCACTTTCTGCAGAGCAGTTTTTTATTTTCCTTATCA[G>A]GTACAGGTTTTGGTTTTTCTTGACTATCTCTGATGAATTTTTCATGAGTCTGTATATGCA-3'
Protein context (NP_055129.2, residues 791-811): RDSQEKPKPV[Pro801Leu]DKENKKLLCR

ClinVar aggregate classification (germline): Uncertain significance. Review status: criteria provided, multiple submitters, no conflicts (2 of 4 stars). 2 submissions from 2 submitters: Uncertain significance (2). Last evaluated 2022-06-17.

Conditions:
Inborn genetic diseases. Identifiers: MedGen C0950123, MeSH D030342.

Allele frequency attached by ClinVar (database versions not stated): ExAC 0.00001; gnomAD 0.00001; gnomAD exomes 0.00001; TOPMed 0.00001.
gnomAD v4.1: 24 of 1,613,500 alleles (0.0015%); highest among the groups gnomAD compares: Non-Finnish European, 0.0019%; no homozygotes.

Submissions (2):

Ambry Genetics
Classification: Uncertain significance for Inborn genetic diseases. Last evaluated: 2022-06-17. Review status: criteria provided, single submitter. Criteria: Ambry Variant Classification Scheme 2023. Collection method: clinical testing. Allele origin: germline.

Labcorp Genetics (formerly Invitae), Labcorp
Classification: Uncertain significance. Last evaluated: 2021-04-27. Review status: criteria provided, single submitter. Criteria: Invitae Variant Classification Sherloc (09022015). Collection method: clinical testing. Allele origin: germline.
Comment: In summary, the available evidence is currently insufficient to determine the role of this variant in disease. Therefore, it has been classified as a Variant of Uncertain Significance. Algorithms developed to predict the effect of missense changes on protein structure and function output the following: SIFT: "Tolerated"; PolyPhen-2: "Benign"; Align-GVGD: "Class C0". The leucine amino acid residue is found in multiple mammalian species, suggesting that this missense change does not adversely affect protein function. These predictions have not been confirmed by published functional studies and their clinical significance is uncertain. This variant has not been reported in the literature in individuals with DDX58-related conditions. This variant is present in population databases (rs774180294, ExAC 0.001%). This sequence change replaces proline with leucine at codon 801 of the DDX58 protein (p.Pro801Leu). The proline residue is moderately conserved and there is a moderate physicochemical difference between proline and leucine.